The following is an entry in ClinVar:

NM_020166.5(MCCC1):c.2047G>A (p.Glu683Lys)

Gene: MCCC1 (methylcrotonyl-CoA carboxylase subunit 1; minus strand). Cytogenetic location: 3q27.1.
Variant type: single nucleotide variant.
Coding change: c.2047G>A on transcript NM_020166.5 (MANE Select); coding-DNA position 2047, G replaced by A.
Protein change: p.Glu683Lys; replaces glutamic acid 683 with lysine.
Molecular consequence: missense variant. On other transcripts: non-coding transcript variant (2).
Genome position (GRCh38, 1-based): chr3:183,017,268, C>T on the plus strand (G>A on the coding strand, the complement: MCCC1 is on the minus strand). VCF-style: chr3-183017268-C-T. GRCh37 (hg19) VCF-style: chr3-182735056-C-T.
Other names: c.1696G>A, p.Glu566Lys (NM_001293273.2); c.1720G>A, p.Glu574Lys (NM_001363880.1); short protein forms E574K, E683K, E566K.
Identifiers: ClinVar variation 3728751 (VCV003728751.2).

ClinVar aggregate classification (germline): Uncertain significance (1 of 4 stars; one submission).

Conditions:
3-methylcrotonyl-CoA carboxylase 1 deficiency (MCC1D). Also called: MCC 1 deficiency; 3 Alpha methylcrotonylglycinuria 1; MCCD TYPE 1; METHYLCROTONYLGLYCINURIA TYPE I. Identifiers: Orphanet 6, MedGen CN028786, MONDO:0008861, OMIM 210200.

Submission:

Labcorp Genetics (formerly Invitae), Labcorp
Classification: Uncertain significance for 3-methylcrotonyl-CoA carboxylase 1 deficiency. Last evaluated: 2025-01-08. Review status: criteria provided, single submitter. Criteria: Invitae Variant Classification Sherloc (09022015). Collection method: clinical testing. Allele origin: germline.
Comment: This sequence change replaces glutamic acid, which is acidic and polar, with lysine, which is basic and polar, at codon 683 of the MCCC1 protein (p.Glu683Lys). This variant is not present in population databases (gnomAD no frequency). This variant has not been reported in the literature in individuals affected with MCCC1-related conditions. An algorithm developed to predict the effect of missense changes on protein structure and function (PolyPhen-2) suggests that this variant is likely to be disruptive. In summary, the available evidence is currently insufficient to determine the role of this variant in disease. Therefore, it has been classified as a Variant of Uncertain Significance.